The following is an entry in ClinVar:

ClinVar aggregate classification (germline): Likely pathogenic (1 of 4 stars; one submission).

Conditions:
Ehlers-Danlos syndrome, classic type, 2 (EDSCL2). Also called: Ehlers-Danlos syndrome, type 2; Ehlers-Danlos Syndrome, Classic Type, COL5A2-Related; Ehlers-Danlos syndrome type 2 (formerly). Identifiers: Orphanet 287, Orphanet 90318, MedGen C0268336, MONDO:0019568, OMIM 130010.

gnomAD v4.1: 4 of 1,614,142 alleles (0.00025%); highest among the groups gnomAD compares: Non-Finnish European, 0.00034%; no homozygotes.

Submission:

Victorian Clinical Genetics Services, Murdoch Childrens Research Institute
Classification: Likely pathogenic for Ehlers-Danlos syndrome, classic type, 2. Last evaluated: 2022-02-02. Review status: criteria provided, single submitter. Criteria: ACMG Guidelines, 2015. Collection method: clinical testing. Allele origin: germline. Inheritance: Autosomal dominant inheritance. Affected: no.
Comment: Based on the classification scheme VCGS_Germline_v1.3.4, this variant is classified as Likely pathogenic. Following criteria are met: 0104 - Dominant negative is a likely mechanism of disease in this gene and is associated with classic type Ehlers-Danlos syndrome, 2 (MIM#130010) (GeneReviews; PMIDs: 23587214, 20847697). (I) 0107 - This gene is associated with autosomal dominant disease. (I) 0115 - Variants in this gene are known to have variable expressivity. Intra- and inter-familial phenotypic variability have been reported (GeneReviews, PMID: 20847697). (I) 0200 - Variant is predicted to result in a missense amino acid change from glycine to alanine. (I) 0251 - This variant is heterozygous. (I) 0301 - Variant is absent from gnomAD (both v2 and v3). (SP) 0501 - Missense variant consistently predicted to be damaging by multiple in silico tools or highly conserved with a major amino acid change. (SP) 0601 - Variant is located in the well-established glycine position within a G-X-Y triple helical repeat. (SP) 0705 - No comparable missense variants have previous evidence for pathogenicity. (I) 0807 - This variant has no previous evidence of pathogenicity. (I) 0905 - No published segregation evidence has been identified for this variant. (I) 1007 - No published functional evidence has been identified for this variant. (SP) Legend: (SP) - Supporting pathogenic, (I) - Information, (SB) - Supporting benign

Literature cited by the submitters: PubMed 20847697; PubMed 23587214.

NM_000393.5(COL5A2):c.1907G>C (p.Gly636Ala)

Gene: COL5A2 (collagen type V alpha 2 chain; minus strand). Cytogenetic location: 2q32.2.
Variant type: single nucleotide variant.
Coding change: c.1907G>C on transcript NM_000393.5 (MANE Select); coding-DNA position 1907, G replaced by C.
Protein change: p.Gly636Ala; replaces glycine 636 with alanine.
Molecular consequence: missense variant.
Genome position (GRCh38, 1-based): chr2:189,063,026, C>G on the plus strand (G>C on the coding strand, the complement: COL5A2 is on the minus strand). VCF-style: chr2-189063026-C-G. GRCh37 (hg19) VCF-style: chr2-189927752-C-G.
Other names: short protein forms G636A.
Identifiers: ClinVar variation 1805198 (VCV001805198.1), dbSNP rs2469295166, ClinGen allele CA349879352.